The following is an entry in ClinVar:

ClinVar aggregate classification (germline): Uncertain significance. Review status: criteria provided, multiple submitters, no conflicts (2 of 4 stars). 2 submissions from 2 submitters: Uncertain significance (2). Last evaluated 2025-12-22.

Conditions:
Hereditary cancer-predisposing syndrome. Also called: Tumor predisposition; Neoplastic Syndromes, Hereditary; Hereditary Cancer Syndrome; Hereditary neoplastic syndrome. Identifiers: Orphanet 140162, MedGen C0027672, MeSH D009386, MONDO:0015356.
Fanconi anemia complementation group J. Also called: BRIP1-Related Fanconi Anemia. Identifiers: Orphanet 84, MedGen C1836860, MONDO:0012187, OMIM 609054.
Familial cancer of breast. Also called: BREAST CANCER, FAMILIAL; Hereditary breast cancer; hereditary breast carcinoma. Identifiers: Orphanet 227535, MedGen C0346153, MONDO:0016419, OMIM 114480. Disease mechanism: loss of function.

gnomAD v4.1: 2 of 1,613,598 alleles (0.00012%); highest among the groups gnomAD compares: South Asian, 0.0022%; no homozygotes.

Submissions (2):

Ambry Genetics
Classification: Uncertain significance for Hereditary cancer-predisposing syndrome. Last evaluated: 2025-12-22. Review status: criteria provided, single submitter. Criteria: Ambry Variant Classification Scheme 2023. Collection method: clinical testing. Allele origin: germline.
Comment: The p.G978R variant (also known as c.2932G>A), located in coding exon 19 of the BRIP1 gene, results from a G to A substitution at nucleotide position 2932. The glycine at codon 978 is replaced by arginine, an amino acid with dissimilar properties. This amino acid position is conserved. In addition, this alteration is predicted to be tolerated by in silico analysis. Based on the available evidence, the clinical significance of this variant remains unclear.

Labcorp Genetics (formerly Invitae), Labcorp
Classification: Uncertain significance for Familial cancer of breast; Fanconi anemia complementation group J. Last evaluated: 2024-10-16. Review status: criteria provided, single submitter. Criteria: Invitae Variant Classification Sherloc (09022015). Collection method: clinical testing. Allele origin: germline.
Comment: This sequence change replaces glycine, which is neutral and non-polar, with arginine, which is basic and polar, at codon 978 of the BRIP1 protein (p.Gly978Arg). This variant is not present in population databases (gnomAD no frequency). This variant has not been reported in the literature in individuals affected with BRIP1-related conditions. Invitae Evidence Modeling of protein sequence and biophysical properties (such as structural, functional, and spatial information, amino acid conservation, physicochemical variation, residue mobility, and thermodynamic stability) indicates that this missense variant is not expected to disrupt BRIP1 protein function with a negative predictive value of 95%. In summary, the available evidence is currently insufficient to determine the role of this variant in disease. Therefore, it has been classified as a Variant of Uncertain Significance.

NM_032043.3(BRIP1):c.2932G>A (p.Gly978Arg)

Gene: BRIP1 (BRCA1 interacting DNA helicase 1; minus strand). Cytogenetic location: 17q23.2.
Variant type: single nucleotide variant.
Coding change: c.2932G>A on transcript NM_032043.3 (MANE Select); coding-DNA position 2932, G replaced by A.
Protein change: p.Gly978Arg; replaces glycine 978 with arginine.
Molecular consequence: missense variant.
Genome position (GRCh38, 1-based): chr17:61,684,114, C>T on the plus strand (G>A on the coding strand, the complement: BRIP1 is on the minus strand). VCF-style: chr17-61684114-C-T. GRCh37 (hg19) VCF-style: chr17-59761475-C-T.
Other names: short protein forms G978R.
Identifiers: ClinVar variation 2942819 (VCV002942819.4), dbSNP rs2061326304, ClinGen allele CA400480718.